The following is an entry in ClinVar:

NM_144997.7(FLCN):c.17C>T (p.Ala6Val)

Gene: FLCN (folliculin; minus strand). Cytogenetic location: 17p11.2.
Variant type: single nucleotide variant.
Coding change: c.17C>T on transcript NM_144997.7 (MANE Select); coding-DNA position 17, C replaced by T.
Protein change: p.Ala6Val; replaces alanine 6 with valine.
Molecular consequence: missense variant.
Genome position (GRCh38, 1-based): chr17:17,228,121, G>A on the plus strand (C>T on the coding strand, the complement: FLCN is on the minus strand). VCF-style: chr17-17228121-G-A. GRCh37 (hg19) VCF-style: chr17-17131435-G-A.
Other names: c.17C>T, p.Ala6Val (NM_001353229.2, NM_001353230.2, NM_001353231.2 and 1 more transcripts); short protein forms A6V.
Identifiers: ClinVar variation 3515616 (VCV003515616.1).
Genomic context (GRCh38, chr17:17,228,121, plus strand): 5'-TGCAGCACCTCCGTGCAGAAGAGAGTGCGGGGGCCGTGGAGCTCGCAGAAGTGGCAGAGA[G>A]CCACGATGGCATTCATGGTGCCTTGGAGACTGCAACAGGCCTGCGTGGGACAGGGGACAT-3'
Protein context (NP_659434.2, residues 1-16): MNAIV[Ala6Val]LCHFCELHGP

ClinVar aggregate classification (germline): Uncertain significance (1 of 4 stars; one submission).

Conditions:
Hereditary cancer-predisposing syndrome. Also called: Tumor predisposition; Neoplastic Syndromes, Hereditary; Hereditary Cancer Syndrome; Hereditary neoplastic syndrome. Identifiers: Orphanet 140162, MedGen C0027672, MeSH D009386, MONDO:0015356.

Submission:

Ambry Genetics
Classification: Uncertain significance for Hereditary cancer-predisposing syndrome. Last evaluated: 2024-07-02. Review status: criteria provided, single submitter. Criteria: Ambry Variant Classification Scheme 2023. Collection method: clinical testing. Allele origin: germline.
Comment: The p.A6V variant (also known as c.17C>T), located in coding exon 1 of the FLCN gene, results from a C to T substitution at nucleotide position 17. The alanine at codon 6 is replaced by valine, an amino acid with similar properties. This amino acid position is conserved. In addition, this alteration is predicted to be deleterious by in silico analysis. Based on the available evidence, the clinical significance of this variant remains unclear.